The following is an entry in ClinVar:

ClinVar aggregate classification (germline): Uncertain significance (1 of 4 stars; one submission).

Allele frequency attached by ClinVar (database versions not stated): gnomAD exomes below 0.00001.
gnomAD v4.1: 3 of 1,614,204 alleles (0.00019%); highest among the groups gnomAD compares: South Asian, 0.0011%; no homozygotes.

Submission:

Labcorp Genetics (formerly Invitae), Labcorp
Classification: Uncertain significance. Last evaluated: 2019-08-22. Review status: criteria provided, single submitter. Criteria: Invitae Variant Classification Sherloc (09022015). Collection method: clinical testing. Allele origin: germline.
Comment: In summary, the available evidence is currently insufficient to determine the role of this variant in disease. Therefore, it has been classified as a Variant of Uncertain Significance. Algorithms developed to predict the effect of missense changes on protein structure and function are either unavailable or do not agree on the potential impact of this missense change (SIFT: "Tolerated"; PolyPhen-2: "Probably Damaging"; Align-GVGD: "Class C0"). This variant has not been reported in the literature in individuals with SZT2-related conditions. This variant is not present in population databases (ExAC no frequency). This sequence change replaces glutamic acid with lysine at codon 1447 of the SZT2 protein (p.Glu1447Lys). The glutamic acid residue is highly conserved and there is a small physicochemical difference between glutamic acid and lysine.

NM_001365999.1(SZT2):c.4510G>A (p.Glu1504Lys)

Gene: SZT2 (SZT2 subunit of KICSTOR complex; plus strand). Cytogenetic location: 1p34.2.
Variant type: single nucleotide variant.
Coding change: c.4510G>A on transcript NM_001365999.1 (MANE Select); coding-DNA position 4510, G replaced by A.
Protein change: p.Glu1504Lys; replaces glutamic acid 1504 with lysine.
Molecular consequence: missense variant.
Genome position (GRCh38, 1-based): chr1:43,430,525, G>A. VCF-style: chr1-43430525-G-A. GRCh37 (hg19) VCF-style: chr1-43896196-G-A.
Other names: c.4339G>A, p.Glu1447Lys (NM_015284.4); short protein forms E1447K, E1504K.
Identifiers: ClinVar variation 958900 (VCV000958900.9), dbSNP rs1653740474, ClinGen allele CA340021634.
Genomic context (GRCh38, chr1:43,430,525, plus strand): 5'-CTCTCATTGACCATGTGACATGCACTACTAGGAGACACATCTGCCTGCTGTGTGGTCACT[G>A]AGAGTGACCCAGAGCTAGAGGTAGAATACCGGGAGAGCCGTGAATCAGACCTGGGGCCTG-3'
Protein context (NP_001352928.1, residues 1494-1514): GDTSACCVVT[Glu1504Lys]SDPELEVEYR